The following is an entry in ClinVar:

NM_005859.5(PURA):c.763A>G (p.Asn255Asp)

Gene: PURA (purine rich element binding protein A; plus strand). Cytogenetic location: 5q31.3.
Variant type: single nucleotide variant.
Coding change: c.763A>G on transcript NM_005859.5 (MANE Select); coding-DNA position 763, A replaced by G.
Protein change: p.Asn255Asp; replaces asparagine 255 with aspartic acid.
Molecular consequence: missense variant.
Genome position (GRCh38, 1-based): chr5:140,114,944, A>G. VCF-style: chr5-140114944-A-G. GRCh37 (hg19) VCF-style: chr5-139494529-A-G.
Other names: short protein forms N255D.
Identifiers: ClinVar variation 2114353 (VCV002114353.4), dbSNP rs1226329374, ClinGen allele CA361491488.
Genomic context (GRCh38, chr5:140,114,944, plus strand): 5'-GTGGGCTCCAACAAGTACGGCGTGTTTATGCGAGTGAGCGAGGTGAAGCCCACCTATCGC[A>G]ACTCCATCACCGTGCCCTACAAGGTGTGGGCCAAGTTCGGACACACCTTCTGCAAGTACT-3'
Protein context (NP_005850.1, residues 245-265): RVSEVKPTYR[Asn255Asp]SITVPYKVWA

ClinVar aggregate classification (germline): Uncertain significance (1 of 4 stars; one submission).

Conditions:
PURA-related severe neonatal hypotonia-seizures-encephalopathy syndrome (NEDRIHF). Also called: NEURODEVELOPMENTAL DISORDER WITH NEONATAL RESPIRATORY INSUFFICIENCY, HYPOTONIA, AND FEEDING DIFFICULTIES; PURA-Related Neurodevelopmental Disorders. Identifiers: Orphanet 438213, Orphanet 438216, MedGen C4015357, MONDO:1060108, OMIM 616158, MONDO:0018580.

Submission:

Labcorp Genetics (formerly Invitae), Labcorp
Classification: Uncertain significance for PURA-related severe neonatal hypotonia-seizures-encephalopathy syndrome. Last evaluated: 2022-03-19. Review status: criteria provided, single submitter. Criteria: Invitae Variant Classification Sherloc (09022015). Collection method: clinical testing. Allele origin: germline.
Comment: This sequence change replaces asparagine, which is neutral and polar, with aspartic acid, which is acidic and polar, at codon 255 of the PURA protein (p.Asn255Asp). Algorithms developed to predict the effect of missense changes on protein structure and function are either unavailable or do not agree on the potential impact of this missense change (SIFT: "Tolerated"; PolyPhen-2: "Possibly Damaging"; Align-GVGD: "Class C0"). In summary, the available evidence is currently insufficient to determine the role of this variant in disease. Therefore, it has been classified as a Variant of Uncertain Significance. This variant has not been reported in the literature in individuals affected with PURA-related conditions. This variant is not present in population databases (gnomAD no frequency).